The following is an entry in ClinVar:

ClinVar aggregate classification (germline): Uncertain significance (1 of 4 stars; one submission).

Submission:

Labcorp Genetics (formerly Invitae), Labcorp
Classification: Uncertain significance. Last evaluated: 2020-10-16. Review status: criteria provided, single submitter. Criteria: Invitae Variant Classification Sherloc (09022015). Collection method: clinical testing. Allele origin: germline.
Comment: In summary, the available evidence is currently insufficient to determine the role of this variant in disease. Therefore, it has been classified as a Variant of Uncertain Significance. Algorithms developed to predict the effect of missense changes on protein structure and function are either unavailable or do not agree on the potential impact of this missense change (SIFT: "Deleterious"; PolyPhen-2: "Possibly Damaging"; Align-GVGD: "Class C0"). This variant has not been reported in the literature in individuals with POLE-related conditions. This variant is not present in population databases (ExAC no frequency). This sequence change replaces cysteine with serine at codon 1445 of the POLE protein (p.Cys1445Ser). The cysteine residue is moderately conserved and there is a moderate physicochemical difference between cysteine and serine.

NM_006231.4(POLE):c.4333T>A (p.Cys1445Ser)

Gene: POLE (DNA polymerase epsilon, catalytic subunit; minus strand). Cytogenetic location: 12q24.33.
Variant type: single nucleotide variant.
Coding change: c.4333T>A on transcript NM_006231.4 (MANE Select); coding-DNA position 4333, T replaced by A.
Protein change: p.Cys1445Ser; replaces cysteine 1445 with serine.
Molecular consequence: missense variant.
Genome position (GRCh38, 1-based): chr12:132,643,518, A>T on the plus strand (T>A on the coding strand, the complement: POLE is on the minus strand). VCF-style: chr12-132643518-A-T. GRCh37 (hg19) VCF-style: chr12-133220104-A-T.
Other names: short protein forms C1445S.
Identifiers: ClinVar variation 1044910 (VCV001044910.8), dbSNP rs763230883, ClinGen allele CA387381442.